The following is an entry in ClinVar:

ClinVar aggregate classification (germline): Pathogenic. Review status: criteria provided, multiple submitters, no conflicts (2 of 4 stars). 2 submissions from 2 submitters: Pathogenic (2). Last evaluated 2024-10-29.

Conditions:
KBG syndrome (KBGS). Also called: ANKRD11-Related KBG Syndrome. Identifiers: Orphanet 2332, MedGen C0220687, MONDO:0007846, OMIM 148050.

Submissions (2):

Labcorp Genetics (formerly Invitae), Labcorp
Classification: Pathogenic for KBG syndrome. Last evaluated: 2024-10-29. Review status: criteria provided, single submitter. Criteria: Invitae Variant Classification Sherloc (09022015). Collection method: clinical testing. Allele origin: germline.
Comment: This sequence change creates a premature translational stop signal (p.Ser429*) in the ANKRD11 gene. It is expected to result in an absent or disrupted protein product. Loss-of-function variants in ANKRD11 are known to be pathogenic (PMID: 21782149, 25125236, 25413698, 25652421). This variant is not present in population databases (gnomAD no frequency). This premature translational stop signal has been observed in individual(s) with a neurodevelopmental disorder (PMID: 33057194, 35982159). For these reasons, this variant has been classified as Pathogenic.

GeneDx
Classification: Pathogenic. Last evaluated: 2024-08-20. Review status: criteria provided, single submitter. Criteria: GeneDx Variant Classification Process June 2021. Collection method: clinical testing. Allele origin: germline. Affected: yes.
Comment: Reported previously as a de novo variant in a patient from a cohort of individuals with developmental disorders; detailed clinical information not provided (PMID: 33057194); Nonsense variant predicted to result in protein truncation or nonsense mediated decay in a gene for which loss of function is a known mechanism of disease; Not observed at significant frequency in large population cohorts (gnomAD); This variant is associated with the following publications: (PMID: 35982159, 33057194)

Literature cited by the submitters: PubMed 21782149 (cited by Labcorp Genetics (formerly Invitae), Labcorp); PubMed 25125236 (cited by Labcorp Genetics (formerly Invitae), Labcorp); PubMed 25413698 (cited by Labcorp Genetics (formerly Invitae), Labcorp); PubMed 25652421 (cited by Labcorp Genetics (formerly Invitae), Labcorp); PubMed 33057194 (cited by Labcorp Genetics (formerly Invitae), Labcorp); PubMed 35982159 (cited by Labcorp Genetics (formerly Invitae), Labcorp).

NM_013275.6(ANKRD11):c.1286C>A (p.Ser429Ter)

Gene: ANKRD11 (ankyrin repeat domain 11; minus strand). Cytogenetic location: 16q24.3.
Variant type: single nucleotide variant.
Coding change: c.1286C>A on transcript NM_013275.6 (MANE Select); coding-DNA position 1286, C replaced by A.
Protein change: p.Ser429Ter; replaces serine 429 with a stop codon.
Molecular consequence: nonsense.
Genome position (GRCh38, 1-based): chr16:89,285,256, G>T on the plus strand (C>A on the coding strand, the complement: ANKRD11 is on the minus strand). VCF-style: chr16-89285256-G-T. GRCh37 (hg19) VCF-style: chr16-89351664-G-T.
Other names: c.1286C>A (NM_013275.5); c.1286C>A, p.Ser429Ter (NM_001256182.2, NM_001256183.2); short protein forms S429*.
Identifiers: ClinVar variation 3713307 (VCV003713307.3).